The following is an entry in ClinVar:

NM_000081.4(LYST):c.6244C>T (p.Pro2082Ser)

Gene: LYST (lysosomal trafficking regulator; minus strand). Cytogenetic location: 1q42.3.
Variant type: single nucleotide variant.
Coding change: c.6244C>T on transcript NM_000081.4 (MANE Select); coding-DNA position 6244, C replaced by T.
Protein change: p.Pro2082Ser; replaces proline 2082 with serine.
Molecular consequence: missense variant.
Genome position (GRCh38, 1-based): chr1:235,762,729, G>A on the plus strand (C>T on the coding strand, the complement: LYST is on the minus strand). VCF-style: chr1-235762729-G-A. GRCh37 (hg19) VCF-style: chr1-235926029-G-A.
Other names: c.6244C>T, p.Pro2082Ser (NM_001301365.1); short protein forms P2082S.
Identifiers: ClinVar variation 3898817 (VCV003898817.1).

ClinVar aggregate classification (germline): Uncertain significance (1 of 4 stars; one submission).

Submission:

GeneDx
Classification: Uncertain significance. Last evaluated: 2024-11-12. Review status: criteria provided, single submitter. Criteria: GeneDx Variant Classification Process June 2021. Collection method: clinical testing. Allele origin: germline. Affected: yes.
Comment: Not observed at significant frequency in large population cohorts (gnomAD); In silico analysis supports that this missense variant has a deleterious effect on protein structure/function; Has not been previously published as pathogenic or benign to our knowledge